The following is an entry in ClinVar:

ClinVar aggregate classification (germline): Uncertain significance. Review status: criteria provided, multiple submitters, no conflicts (2 of 4 stars). 7 submissions from 7 submitters: Uncertain significance (7). Last evaluated 2025-09-19.

Conditions:
Cardiovascular phenotype. Identifiers: MedGen CN230736.
Arrhythmogenic right ventricular dysplasia 2. Identifiers: MedGen C1832931.
Catecholaminergic polymorphic ventricular tachycardia 1. Also called: RYR2-Related Catecholaminergic Polymorphic Ventricular Tachycardia; VENTRICULAR TACHYCARDIA, CATECHOLAMINERGIC POLYMORPHIC, 1, WITH OR WITHOUT ATRIAL DYSFUNCTION AND/OR DILATED CARDIOMYOPATHY; VENTRICULAR TACHYCARDIA, STRESS-INDUCED POLYMORPHIC 1. Identifiers: Orphanet 3286, MedGen C1631597, MONDO:0011484, OMIM 604772.
Ventricular arrhythmias due to cardiac ryanodine receptor calcium release deficiency syndrome. Also called: Autosomal dominant cardiac arrhythmia (Kuhn). Identifiers: MedGen C5542154, MONDO:0020745, OMIM 115000.
Cardiomyopathy (CMYO). Also called: Cardiomyopathies. Identifiers: Orphanet 167848, MedGen C0878544, MONDO:0004994, HP:0001638. Inheritance: Various modes of inheritance.
Catecholaminergic polymorphic ventricular tachycardia (CVPT). Also called: Catecholamine-induced polymorphic ventricular tachycardia. Identifiers: Orphanet 3286, MedGen C5574922, MONDO:0017990.
Congestive heart failure. Identifiers: MedGen C0018802, MONDO:0005009, HP:0001635.

Allele frequency attached by ClinVar (database versions not stated): gnomAD exomes 0.00002 and 0.00005; TOPMed 0.00002; gnomAD 0.00004 and 0.00005; 1000 Genomes Project 30x 0.00047; 1000 Genomes Project 0.00020.
gnomAD v4.1: 37 of 1,610,458 alleles (0.0023%); highest among the groups gnomAD compares: East Asian, 0.0022%; 1 homozygote.

Submissions (7):

Labcorp Genetics (formerly Invitae), Labcorp
Classification: Uncertain significance for Catecholaminergic polymorphic ventricular tachycardia 1. Last evaluated: 2025-09-19. Review status: criteria provided, single submitter. Criteria: Invitae Variant Classification Sherloc (09022015). Collection method: clinical testing. Allele origin: germline.
Comment: This sequence change replaces threonine, which is neutral and polar, with methionine, which is neutral and non-polar, at codon 3547 of the RYR2 protein (p.Thr3547Met). This variant is present in population databases (rs552050895, gnomAD 0.03%). This variant has not been reported in the literature in individuals affected with RYR2-related conditions. ClinVar contains an entry for this variant (Variation ID: 201305). Invitae Evidence Modeling of protein sequence and biophysical properties (such as structural, functional, and spatial information, amino acid conservation, physicochemical variation, residue mobility, and thermodynamic stability) has been performed for this missense variant. However, the output from this modeling did not meet the statistical confidence thresholds required to predict the impact of this variant on RYR2 protein function. In summary, the available evidence is currently insufficient to determine the role of this variant in disease. Therefore, it has been classified as a Variant of Uncertain Significance.

Color Diagnostics, LLC DBA Color Health
Classification: Uncertain significance for Cardiomyopathy. Last evaluated: 2024-11-25. Review status: criteria provided, single submitter. Criteria: ACMG Guidelines, 2015. Collection method: clinical testing. Allele origin: germline.
Comment: This missense variant replaces threonine with methionine at codon 3547 of the RYR2 protein. Computational prediction is inconclusive regarding the impact of this variant on protein structure and function. To our knowledge, functional studies have not been reported for this variant. This variant has not been reported in individuals affected with RYR2-related disorders in the literature. This variant has been identified in 15/280260 chromosomes in the general population by the Genome Aggregation Database (gnomAD). The available evidence is insufficient to determine the role of this variant in disease conclusively. Therefore, this variant is classified as a Variant of Uncertain Significance.

All of Us Research Program, National Institutes of Health
Classification: Uncertain significance for Catecholaminergic polymorphic ventricular tachycardia. Last evaluated: 2024-04-10. Review status: criteria provided, single submitter. Criteria: ACMG Guidelines, 2015. Collection method: clinical testing. Allele origin: germline. Inheritance: Autosomal dominant inheritance. Observed: 7 variant alleles, 7 heterozygotes.
Comment: This missense variant replaces threonine with methionine at codon 3547 of the RYR2 protein. Computational prediction is inconclusive regarding the impact of this variant on protein structure and function (internally defined REVEL score threshold 0.5 < inconclusive < 0.7, PMID: 27666373). To our knowledge, functional studies have not been reported for this variant. This variant has not been reported in individuals affected with RYR2-related disorders in the literature. This variant has been identified in 15/280260 chromosomes in the general population by the Genome Aggregation Database (gnomAD). The available evidence is insufficient to determine the role of this variant in disease conclusively. Therefore, this variant is classified as a Variant of Uncertain Significance.

This study involves interpretation of variants in research participants for the purpose of population health screening. Participant phenotype was not available at the time of variant classification. Additional details can be found in publication PMID: 35346344, PMCID: PMC8962531

Ambry Genetics
Classification: Uncertain significance for Cardiovascular phenotype. Last evaluated: 2023-07-05. Review status: criteria provided, single submitter. Criteria: Ambry Variant Classification Scheme 2023. Collection method: clinical testing. Allele origin: germline.
Comment: The p.T3547M variant (also known as c.10640C>T), located in coding exon 74 of the RYR2 gene, results from a C to T substitution at nucleotide position 10640. The threonine at codon 3547 is replaced by methionine, an amino acid with similar properties. This alteration has been reported in a whole exome sequencing cohort (Landstrom AP et al. Circ Arrhythm Electrophysiol, 2017 Apr;10:). This amino acid position is not well conserved in available vertebrate species. In addition, the in silico prediction for this alteration is inconclusive. Since supporting evidence is limited at this time, the clinical significance of this alteration remains unclear.

Fulgent Genetics
Classification: Uncertain significance for Ventricular arrhythmias due to cardiac ryanodine receptor calcium release deficiency syndrome; Catecholaminergic polymorphic ventricular tachycardia 1. Last evaluated: 2021-09-29. Review status: criteria provided, single submitter. Criteria: ACMG Guidelines, 2015. Collection method: clinical testing. Allele origin: unknown.

Center for Advanced Laboratory Medicine, UC San Diego Health, University of California San Diego
Classification: Uncertain significance for Congestive heart failure. Last evaluated: 2018-01-17. Review status: criteria provided, single submitter. Criteria: ACMG Guidelines, 2015. Collection method: clinical testing. Allele origin: germline. Affected: yes. Observed: 1 variant allele.

GeneDx
Classification: Uncertain significance. Last evaluated: 2012-07-18. Review status: criteria provided, single submitter. Criteria: GeneDx Variant Classification (06012015). Collection method: clinical testing. Allele origin: germline. Affected: yes.
Comment: p.Thr3547Met (ACG>ATG): c.10640 C>T in exon 74 of the RYR2 gene (NM_001035.2). The Thr3547Met variant in the RYR2 gene has not been reported as a disease-causing mutation or as a benign polymorphism to our knowledge. Thr3547Met results in a non-conservative amino acid substitution of a polar Threonine residue with a non-polar Methionine residue at a position that is conserved across species. In silico analysis predicts Thr3547Met is possibly damaging to the protein structure/function. Furthermore, the NHLBI ESP Exome Variant Server reports Thr3547Met was not observed in approximately 9,500 samples from individuals of European and African American backgrounds, indicating it is not a common benign variant in these populations. Nevertheless, no mutations in surrounding residues have been reported, indicating this region of the protein may be tolerant of change. We cannot definitively determine if Thr3547Met is a disease-causing mutation or a rare benign variant. The variant is found in POSTMORTEM panel(s).

Literature cited by the submitters: PubMed 28404607 (cited by Ambry Genetics).

NM_001035.3(RYR2):c.10640C>T (p.Thr3547Met)

Gene: RYR2 (ryanodine receptor 2; plus strand). Cytogenetic location: 1q43.
Variant type: single nucleotide variant.
Coding change: c.10640C>T on transcript NM_001035.3 (MANE Select); coding-DNA position 10640, C replaced by T.
Protein change: p.Thr3547Met; replaces threonine 3547 with methionine.
Molecular consequence: missense variant.
Genome position (GRCh38, 1-based): chr1:237,723,213, C>T. VCF-style: chr1-237723213-C-T. GRCh37 (hg19) VCF-style: chr1-237886513-C-T.
Other names: p.T3547M:ACG>ATG; c.10640C>T, p.Thr3547Met (LRG_402t1); short protein forms T3547M.
Identifiers: ClinVar variation 201305 (VCV000201305.20), dbSNP rs552050895, ClinGen allele CA006716.